The following is an entry in ClinVar:

NM_000143.4(FH):c.749G>T (p.Gly250Val)

Gene: FH (fumarate hydratase; minus strand). Cytogenetic location: 1q43.
Variant type: single nucleotide variant.
Coding change: c.749G>T on transcript NM_000143.4 (MANE Select); coding-DNA position 749, G replaced by T.
Protein change: p.Gly250Val; replaces glycine 250 with valine.
Molecular consequence: missense variant.
Genome position (GRCh38, 1-based): chr1:241,506,158, C>A on the plus strand (G>T on the coding strand, the complement: FH is on the minus strand). VCF-style: chr1-241506158-C-A. GRCh37 (hg19) VCF-style: chr1-241669458-C-A.
Other names: short protein forms G250V.
Identifiers: ClinVar variation 1051133 (VCV001051133.11), dbSNP rs951611697, ClinGen allele CA345439104.

ClinVar aggregate classification (germline): Uncertain significance. Review status: criteria provided, multiple submitters, no conflicts (2 of 4 stars). 2 submissions from 2 submitters: Uncertain significance (2). Last evaluated 2022-08-09.

Conditions:
Hereditary cancer-predisposing syndrome. Also called: Tumor predisposition; Hereditary neoplastic syndrome; Hereditary Cancer Syndrome; Neoplastic Syndromes, Hereditary. Identifiers: Orphanet 140162, MedGen C0027672, MeSH D009386, MONDO:0015356.

Submissions (2):

Labcorp Genetics (formerly Invitae), Labcorp
Classification: Uncertain significance. Last evaluated: 2022-08-09. Review status: criteria provided, single submitter. Criteria: Invitae Variant Classification Sherloc (09022015). Collection method: clinical testing. Allele origin: germline.
Comment: Advanced modeling of protein sequence and biophysical properties (such as structural, functional, and spatial information, amino acid conservation, physicochemical variation, residue mobility, and thermodynamic stability) performed at Invitae indicates that this missense variant is expected to disrupt FH protein function. This sequence change replaces glycine, which is neutral and non-polar, with valine, which is neutral and non-polar, at codon 250 of the FH protein (p.Gly250Val). This variant is not present in population databases (gnomAD no frequency). This variant has not been reported in the literature in individuals affected with FH-related conditions. ClinVar contains an entry for this variant (Variation ID: 1051133). In summary, the available evidence is currently insufficient to determine the role of this variant in disease. Therefore, it has been classified as a Variant of Uncertain Significance.

Ambry Genetics
Classification: Uncertain significance for Hereditary cancer-predisposing syndrome. Last evaluated: 2020-10-14. Review status: criteria provided, single submitter. Criteria: Ambry Variant Classification Scheme 2023. Collection method: clinical testing. Allele origin: germline.
Comment: The p.G250V variant (also known as c.749G>T), located in coding exon 6 of the FH gene, results from a G to T substitution at nucleotide position 749. The glycine at codon 250 is replaced by valine, an amino acid with dissimilar properties. This alteration has been observed in at least one individual who has a personal or family history that is consistent with FH-associated disease (Ambry internal data). Based in internal structural assessment, this alteration is disruptive to the homotetramer interface (Ajalla Aleixo MA et al. FEBS J 2019 05;286(10):1925-1940). This amino acid position is not well conserved in available vertebrate species. In addition, this alteration is predicted to be deleterious by in silico analysis. Since supporting evidence is limited at this time, the clinical significance of this alteration remains unclear.